The following is an entry in ClinVar:

ClinVar aggregate classification (germline): conflicting data from submitters (0 of 4 stars; one submission).

Submission:

ISCA Site 6
Classification: conflicting data from submitters. Review status: no assertion criteria provided. Collection method: clinical testing. Allele origin: unknown. Affected: yes. Observed: 2 variant alleles.
Comment: Uncertain significance(1), Likely benign (1)

Copy number variation identified through the course of routine clinical cytogenomic testing in postnatal populations, with clinical assertions as classified by the original submitter. For data from the original published study, Kaminsky, et al. 2011 (PubMed 21844811), please see nstd101.

GRCh37/hg19 12q24.23(chr12:119827883-119950689)x3

Gene: CCDC60 (coiled-coil domain containing 60; plus strand). Cytogenetic location: 12q24.23.
Variant type: copy number gain.
Change: copy number 3 (three copies instead of two) of chr12:119,827,883-119,950,689 (122.8 kb, GRCh37 coordinates, 1-based), cytogenetic band 12q24.23.
Identifiers: ClinVar variation 394926 (VCV000394926.3).